The following is an entry in ClinVar:

NM_001035.3(RYR2):c.13098A>G (p.Leu4366=)

Genes: RYR2 (ryanodine receptor 2; plus strand), LOC126806068 (BRD4-independent group 4 enhancer GRCh37_chr1:237947411-237948610; plus strand). Cytogenetic location: 1q43.
Variant type: single nucleotide variant.
Coding change: c.13098A>G on transcript NM_001035.3 (MANE Select); coding-DNA position 13098, A replaced by G.
Protein change: p.Leu4366=; no amino-acid change (leucine 4366 retained).
Molecular consequence: synonymous variant.
Genome position (GRCh38, 1-based): chr1:237,784,810, A>G. VCF-style: chr1-237784810-A-G. GRCh37 (hg19) VCF-style: chr1-237948110-A-G.
Identifiers: ClinVar variation 1151548 (VCV001151548.11), dbSNP rs2149356435, ClinGen allele CA424032697.

ClinVar aggregate classification (germline): Likely benign. Review status: criteria provided, multiple submitters, no conflicts (2 of 4 stars). 2 submissions from 2 submitters: Likely benign (2). Last evaluated 2024-08-13.

Conditions:
Catecholaminergic polymorphic ventricular tachycardia 1. Also called: VENTRICULAR TACHYCARDIA, CATECHOLAMINERGIC POLYMORPHIC, 1, WITH OR WITHOUT ATRIAL DYSFUNCTION AND/OR DILATED CARDIOMYOPATHY; VENTRICULAR TACHYCARDIA, STRESS-INDUCED POLYMORPHIC 1; RYR2-Related Catecholaminergic Polymorphic Ventricular Tachycardia. Identifiers: Orphanet 3286, MedGen C1631597, MONDO:0011484, OMIM 604772.
Catecholaminergic polymorphic ventricular tachycardia (CVPT). Also called: Catecholamine-induced polymorphic ventricular tachycardia. Identifiers: Orphanet 3286, MedGen C5574922, MONDO:0017990.

gnomAD v4.1: 1 of 1,613,376 alleles (0.000062%); highest among the groups gnomAD compares: Non-Finnish European, 0.000085%; no homozygotes.

Submissions (2):

All of Us Research Program, National Institutes of Health
Classification: Likely benign for Catecholaminergic polymorphic ventricular tachycardia. Last evaluated: 2024-08-13. Review status: criteria provided, single submitter. Criteria: ACMG Guidelines, 2015. Collection method: clinical testing. Allele origin: germline. Inheritance: Autosomal dominant inheritance. Observed: 1 variant allele, 1 heterozygote.
Comment: This study involves interpretation of variants in research participants for the purpose of population health screening. Participant phenotype was not available at the time of variant classification. Additional details can be found in publication PMID: 35346344, PMCID: PMC8962531

Labcorp Genetics (formerly Invitae), Labcorp
Classification: Likely benign for Catecholaminergic polymorphic ventricular tachycardia 1. Last evaluated: 2024-05-17. Review status: criteria provided, single submitter. Criteria: Invitae Variant Classification Sherloc (09022015). Collection method: clinical testing. Allele origin: germline.